The following is an entry in ClinVar:

ClinVar aggregate classification (germline): Uncertain significance (1 of 4 stars; one submission).

Submission:

Labcorp Genetics (formerly Invitae), Labcorp
Classification: Uncertain significance. Last evaluated: 2022-08-17. Review status: criteria provided, single submitter. Criteria: Invitae Variant Classification Sherloc (09022015). Collection method: clinical testing. Allele origin: germline.
Comment: This variant results in a copy number gain of the genomic region encompassing exon(s) 3-4 of the ADAMTSL4 gene. This region includes the initiator codon of the gene. This copy number gain extends beyond the assayed region for this gene and therefore may encompass additional genes. As the precise location of this event is unknown, it may be in tandem or it may be located elsewhere in the genome. This variant has not been reported in the literature in individuals affected with ADAMTSL4-related conditions. In summary, the available evidence is currently insufficient to determine the role of this variant in disease. Therefore, it has been classified as a Variant of Uncertain Significance.

NC_000001.10:g.(?_150524765)_(150525096_?)dup

Gene: ADAMTSL4 (ADAMTS like 4; plus strand). Cytogenetic location: 1q21.3.
Variant type: Duplication.
Identifiers: ClinVar variation 2426505 (VCV002426505.3).